The following is an entry in ClinVar:

ClinVar aggregate classification (germline): Uncertain significance. Review status: criteria provided, multiple submitters, no conflicts (2 of 4 stars). 5 submissions from 4 submitters: Uncertain significance (5). Last evaluated 2022-09-27.

Conditions:
Nephronophthisis. Also called: Juvenile Nephronophthisis. Identifiers: Orphanet 655, MedGen C0687120, MONDO:0019005, HP:0000090.
Nephronophthisis 4 (NPHP4). Also called: NEPHRONOPHTHISIS 4, JUVENILE. Identifiers: Orphanet 655, MedGen C1847013, MONDO:0011752, OMIM 606966.
Senior-Loken syndrome 4 (SLSN4). Identifiers: Orphanet 3156, MedGen C1846979, MONDO:0011756, OMIM 606996.

Allele frequency attached by ClinVar (database versions not stated): gnomAD 0.00001 and 0.00002; ExAC 0.00002; gnomAD exomes 0.00003; TOPMed 0.00003; ESP Exome Variant Server 0.00016.
gnomAD v4.1: 39 of 1,614,058 alleles (0.0024%); highest among the groups gnomAD compares: Middle Eastern, 0.16%; no homozygotes.

Submissions (5):

Labcorp Genetics (formerly Invitae), Labcorp
Classification: Uncertain significance for Nephronophthisis. Last evaluated: 2022-09-27. Review status: criteria provided, single submitter. Criteria: Invitae Variant Classification Sherloc (09022015). Collection method: clinical testing. Allele origin: germline.
Comment: This sequence change replaces glutamine, which is neutral and polar, with arginine, which is basic and polar, at codon 684 of the NPHP4 protein (p.Gln684Arg). This variant is present in population databases (rs200667197, gnomAD 0.006%). This variant has not been reported in the literature in individuals affected with NPHP4-related conditions. ClinVar contains an entry for this variant (Variation ID: 283814). Advanced modeling of protein sequence and biophysical properties (such as structural, functional, and spatial information, amino acid conservation, physicochemical variation, residue mobility, and thermodynamic stability) performed at Invitae indicates that this missense variant is not expected to disrupt NPHP4 protein function. In summary, the available evidence is currently insufficient to determine the role of this variant in disease. Therefore, it has been classified as a Variant of Uncertain Significance.

Fulgent Genetics
Classification: Uncertain significance for Nephronophthisis 4; Senior-Loken syndrome 4. Last evaluated: 2018-10-31. Review status: criteria provided, single submitter. Criteria: ACMG Guidelines, 2015. Collection method: clinical testing. Allele origin: unknown.

Eurofins Ntd Llc (ga)
Classification: Uncertain significance. Last evaluated: 2018-01-04. Review status: criteria provided, single submitter. Criteria: EGL Classification Definitions 2015. Collection method: clinical testing. Allele origin: germline. Observed: 2 variant alleles, 2 heterozygotes.

Illumina Laboratory Services, Illumina
Classification: Uncertain significance for Senior-Loken syndrome 4. Last evaluated: 2017-04-28. Review status: criteria provided, single submitter. Criteria: ICSL Variant Classification Criteria 13 December 2019. Collection method: clinical testing. Allele origin: germline.

Illumina Laboratory Services, Illumina
Classification: Uncertain significance for Nephronophthisis 4. Last evaluated: 2017-04-28. Review status: criteria provided, single submitter. Criteria: ICSL Variant Classification Criteria 13 December 2019. Collection method: clinical testing. Allele origin: germline.
Comment: This variant was observed as part of a predisposition screen in an ostensibly healthy population. A literature search was performed for the gene, cDNA change, and amino acid change (where applicable). Publications were found based on this search. However, the evidence from the literature, in combination with allele frequency data from public databases where available, was not sufficient to rule this variant in or out of causing disease. Therefore, this variant is classified as a variant of unknown significance.

Literature cited by the submitters: PubMed 17855640 (cited by Illumina Laboratory Services, Illumina).

NM_015102.5(NPHP4):c.2051A>G (p.Gln684Arg)

Gene: NPHP4 (nephrocystin 4; minus strand). Cytogenetic location: 1p36.31.
Variant type: single nucleotide variant.
Coding change: c.2051A>G on transcript NM_015102.5 (MANE Select); coding-DNA position 2051, A replaced by G.
Protein change: p.Gln684Arg; replaces glutamine 684 with arginine.
Molecular consequence: missense variant. On other transcripts: non-coding transcript variant (1).
Genome position (GRCh38, 1-based): chr1:5,904,709, T>C on the plus strand (A>G on the coding strand, the complement: NPHP4 is on the minus strand). VCF-style: chr1-5904709-T-C. GRCh37 (hg19) VCF-style: chr1-5964769-T-C.
Other names: c.512A>G, p.Gln171Arg (NM_001291593.2); c.515A>G, p.Gln172Arg (NM_001291594.2); short protein forms Q684R, Q171R, Q172R.
Identifiers: ClinVar variation 283814 (VCV000283814.18), dbSNP rs200667197, ClinGen allele CA554290.